The following is an entry in ClinVar:

ClinVar aggregate classification (germline): Benign/Likely benign. Review status: criteria provided, multiple submitters, no conflicts (2 of 4 stars). 13 submissions from 13 submitters: Benign (3); Likely benign (6). 4 of the submissions do not count toward it. Last evaluated 2026-02-04.

Conditions:
Dystrophin deficiency.
Duchenne muscular dystrophy (DMD). Also called: MUSCULAR DYSTROPHY, PSEUDOHYPERTROPHIC PROGRESSIVE, DUCHENNE TYPE; Duchenne Muscular Dystrophy (DMD). Identifiers: Orphanet 98896, MedGen C0013264, MONDO:0010679, OMIM 310200.
Cardiomyopathy (CMYO). Also called: Cardiomyopathies. Identifiers: Orphanet 167848, MedGen C0878544, MONDO:0004994, HP:0001638. Inheritance: Various modes of inheritance.
Becker muscular dystrophy (BMD). Also called: MUSCULAR DYSTROPHY, PSEUDOHYPERTROPHIC PROGRESSIVE, BECKER TYPE; Becker Muscular Dystrophy (BMD). Identifiers: Orphanet 98895, MedGen C0917713, MONDO:0010311, OMIM 300376.
Cardiovascular phenotype. Identifiers: MedGen CN230736.
Muscular dystrophy. Identifiers: Orphanet 98473, MedGen C0026850, MeSH D009136, MONDO:0020121, HP:0003560.
Dilated cardiomyopathy 3B (CMD3B). Also called: CMD3B: DMD-Related Dilated Cardiomyopathy; CARDIOMYOPATHY, DILATED, X-LINKED; DMD-Associated Dilated Cardiomyopathy. Identifiers: Orphanet 154, MedGen C3668940, MONDO:0010542, OMIM 302045.
Primary dilated cardiomyopathy (DCM). Also called: Dilated Cardiomyopathy. Identifiers: Orphanet 217604, MedGen C0007193, MeSH D002311, MONDO:0005021, HP:0001644. Inheritance: Various modes of inheritance.

Allele frequency attached by ClinVar (database versions not stated): gnomAD exomes 0.00011 and 0.00032; ExAC 0.00036; gnomAD 0.00102 and 0.00109; 1000 Genomes Project 0.00106; TOPMed 0.00107; 1000 Genomes Project 30x 0.00125; ESP Exome Variant Server 0.00170.

Submissions (13):

Labcorp Genetics (formerly Invitae), Labcorp
Classification: Likely benign for Duchenne muscular dystrophy. Last evaluated: 2026-02-04. Review status: criteria provided, single submitter. Criteria: Invitae Variant Classification Sherloc (09022015). Collection method: clinical testing. Allele origin: germline.

Blueprint Genetics
Classification: Likely benign. Last evaluated: 2023-08-18. Review status: criteria provided, single submitter. Criteria: ACMG Guidelines, 2015. Collection method: clinical testing. Allele origin: germline.

Fulgent Genetics
Classification: Likely benign for Becker muscular dystrophy; Dilated cardiomyopathy 3B; Duchenne muscular dystrophy. Last evaluated: 2021-11-16. Review status: criteria provided, single submitter. Criteria: ACMG Guidelines, 2015. Collection method: clinical testing. Allele origin: unknown.

GeneDx
Classification: Likely benign. Last evaluated: 2021-06-19. Review status: criteria provided, single submitter. Criteria: GeneDx Variant Classification Process June 2021. Collection method: clinical testing. Allele origin: germline. Affected: yes.
Comment: This variant is associated with the following publications: (PMID: 24055113, 21515508, 25637381)

Mendelics
Classification: Benign for Duchenne muscular dystrophy. Last evaluated: 2019-05-28. Review status: criteria provided, single submitter. Criteria: Mendelics Assertion Criteria 2017. Collection method: clinical testing. Allele origin: unknown.

Ambry Genetics
Classification: Benign for Cardiovascular phenotype. Last evaluated: 2018-03-15. Review status: criteria provided, single submitter. Criteria: Ambry Variant Classification Scheme 2023. Collection method: clinical testing. Allele origin: germline.

ARUP Laboratories, Molecular Genetics and Genomics, ARUP Laboratories
Classification: Benign. Last evaluated: 2017-04-25. Review status: criteria provided, single submitter. Criteria: ARUP Molecular Germline Variant Investigation Process. Collection method: clinical testing. Allele origin: germline.

Eurofins Ntd Llc (ga)
Classification: Likely benign. Last evaluated: 2017-03-03. Review status: criteria provided, single submitter. Criteria: EGL Classification Definitions 2015. Collection method: clinical testing. Allele origin: germline. Observed: 3 variant alleles, 2 heterozygotes, 1 hemizygote.

Genetics and Genomics Program, Sidra Medicine
Classification: Likely benign for Primary dilated cardiomyopathy. Review status: criteria provided, single submitter. Criteria: ACMG Guidelines, 2015. Collection method: research. Allele origin: unknown. Affected: yes. Observed: 1 variant allele.

Natera, Inc.
Classification: Likely benign for Becker muscular dystrophy; Cardiomyopathy; Duchenne muscular dystrophy; Dystrophin deficiency. Last evaluated: 2018-03-21. Review status: no assertion criteria provided. Collection method: clinical testing. Allele origin: germline. Not counted in ClinVar's aggregate classification.

CSER _CC_NCGL, University of Washington
Classification: Likely benign for Muscular dystrophy. Last evaluated: 2014-06-01. Review status: no assertion criteria provided. Collection method: research. Allele origin: germline. Inheritance: Autosomal dominant inheritance. Study: ESP 6500 variant annotation. Not counted in ClinVar's aggregate classification.
Comment: Variants classified for the Actionable exomic incidental findings in 6503 participants: challenges of variant classification manuscript

Clinical Genetics DNA and cytogenetics Diagnostics Lab, Erasmus MC, Erasmus Medical Center
Classification: Likely benign. Review status: no assertion criteria provided. Collection method: clinical testing. Allele origin: germline. Affected: yes. Study: VKGL Data-share Consensus. Not counted in ClinVar's aggregate classification.

Diagnostic Laboratory, Department of Genetics, University Medical Center Groningen
Classification: Likely benign. Review status: no assertion criteria provided. Collection method: clinical testing. Allele origin: germline. Affected: yes. Study: VKGL Data-share Consensus. Not counted in ClinVar's aggregate classification.

NM_004006.3(DMD):c.7571G>A (p.Arg2524His)

Gene: DMD (dystrophin; minus strand). Cytogenetic location: Xp21.1.
Variant type: single nucleotide variant.
Coding change: c.7571G>A on transcript NM_004006.3 (MANE Select); coding-DNA position 7571, G replaced by A.
Protein change: p.Arg2524His; replaces arginine 2524 with histidine.
Molecular consequence: missense variant.
Genome position (GRCh38, 1-based): chrX:31,729,720, C>T on the plus strand (G>A on the coding strand, the complement: DMD is on the minus strand). VCF-style: chrX-31729720-C-T. GRCh37 (hg19) VCF-style: chrX-31747837-C-T.
Other names: c.7547G>A, p.Arg2516His (NM_000109.4); c.7559G>A, p.Arg2520His (NM_004009.3); c.7202G>A, p.Arg2401His (NM_004010.3); c.3548G>A, p.Arg1183His (NM_004011.4); c.3539G>A, p.Arg1180His (NM_004012.4); c.191G>A, p.Arg64His (NM_004013.3, NM_004020.4, NM_004021.3 and 2 more transcripts); short protein forms R2516H, R2524H, R1180H, R2520H, R2401H, R64H, R1183H.
Identifiers: ClinVar variation 161219 (VCV000161219.33), dbSNP rs151244052, ClinGen allele CA211402.